The following is an entry in ClinVar:

ClinVar aggregate classification (germline): Likely benign. Review status: criteria provided, multiple submitters, no conflicts (2 of 4 stars). 3 submissions from 3 submitters: Likely benign (2). 1 of the submissions does not count toward it. Last evaluated 2026-08-24.

Conditions:
CRB1-related disorder. Also called: CRB1-related disorders; CRB1-related condition.
Leber congenital amaurosis (LCA). Also called: Leber's amaurosis. Identifiers: Orphanet 65, MedGen C0339527, MeSH D057130, MONDO:0018998.
Leber congenital amaurosis 8 (LCA8). Identifiers: Orphanet 65, MedGen C3151202, MONDO:0013453, OMIM 613835.
Retinitis pigmentosa 12 (RP12). Also called: RP WITH OR WITHOUT PPRPE; RP WITH OR WITHOUT PRESERVED PARAARTERIOLE RETINAL PIGMENT EPITHELIUM; RETINITIS PIGMENTOSA WITH OR WITHOUT PARAARTERIOLAR PRESERVATION OF RETINAL PIGMENT EPITHELIUM. Identifiers: Orphanet 791, MedGen C1838647, MONDO:0010818, OMIM 600105.

Allele frequency attached by ClinVar (database versions not stated): TOPMed 0.00001.
gnomAD v4.1: 6 of 1,614,020 alleles (0.00037%); highest among the groups gnomAD compares: Admixed American, 0.0083%; no homozygotes.

Submissions (3):

PreventionGenetics, part of Exact Sciences
Classification: Likely benign for CRB1-related condition. Last evaluated: 2026-08-24. Review status: criteria provided, single submitter. Criteria: ACMG Guidelines, 2015. Collection method: clinical testing. Allele origin: germline.
Comment: This variant is classified as likely benign based on ACMG/AMP sequence variant interpretation guidelines (Richards et al. 2015 PMID: 25741868, with internal and published modifications).

Labcorp Genetics (formerly Invitae), Labcorp
Classification: Likely benign for Leber congenital amaurosis 8; Retinitis pigmentosa 12. Last evaluated: 2025-02-10. Review status: criteria provided, single submitter. Criteria: Invitae Variant Classification Sherloc (09022015). Collection method: clinical testing. Allele origin: germline.

Natera, Inc.
Classification: Likely benign for Leber congenital amaurosis. Last evaluated: 2020-09-16. Review status: no assertion criteria provided. Collection method: clinical testing. Allele origin: germline. Not counted in ClinVar's aggregate classification.

NM_201253.3(CRB1):c.1428C>G (p.Thr476=)

Gene: CRB1 (crumbs cell polarity complex component 1; plus strand). Cytogenetic location: 1q31.3.
Variant type: single nucleotide variant.
Coding change: c.1428C>G on transcript NM_201253.3 (MANE Select); coding-DNA position 1428, C replaced by G.
Protein change: p.Thr476=; no amino-acid change (threonine 476 retained).
Molecular consequence: synonymous variant. On other transcripts: non-coding transcript variant (2).
Genome position (GRCh38, 1-based): chr1:197,421,256, C>G. VCF-style: chr1-197421256-C-G. GRCh37 (hg19) VCF-style: chr1-197390386-C-G.
Other names: c.1092C>G, p.Thr364= (NM_001193640.2); c.1221C>G, p.Thr407= (NM_001257965.2); c.1428C>G, p.Thr476= (NM_001257966.2).
Identifiers: ClinVar variation 723794 (VCV000723794.11), dbSNP rs62636282, ClinGen allele CA422808437.
Genomic context (GRCh38, chr1:197,421,256, plus strand): 5'-CATCCCTCACTTCCAAGATGGCCAGCATGGATTCAGCTGCCTATGTCCATCTGGCTACAC[C>G]GGGTCCCTGTGTGAAATCGCAACCACACTTTCATTTGAGGGCGATGGCTTCCTGTGGGTC-3'
Protein context (NP_957705.1, residues 466-486): GFSCLCPSGY[Thr476=]GSLCEIATTL